The following is an entry in ClinVar:

ClinVar aggregate classification (germline): Uncertain significance (1 of 4 stars; one submission).

Allele frequency attached by ClinVar (database versions not stated): ExAC 0.00001; gnomAD 0.00001; gnomAD exomes 0.00001.
gnomAD v4.1: 10 of 1,614,076 alleles (0.00062%); highest among the groups gnomAD compares: South Asian, 0.0099%; no homozygotes.

Submission:

Ambry Genetics
Classification: Uncertain significance. Last evaluated: 2023-10-21. Review status: criteria provided, single submitter. Criteria: Ambry Variant Classification Scheme 2023. Collection method: clinical testing. Allele origin: germline.
Comment: The p.F1333Y variant (also known as c.3998T>A), located in coding exon 4 of the ALPK2 gene, results from a T to A substitution at nucleotide position 3998. The phenylalanine at codon 1333 is replaced by tyrosine, an amino acid with highly similar properties. This amino acid position is conserved. In addition, this alteration is predicted to be tolerated by in silico analysis. Since supporting evidence is limited at this time, the clinical significance of this alteration remains unclear.

NM_052947.4(ALPK2):c.3998T>A (p.Phe1333Tyr)

Genes: ALPK2 (alpha kinase 2; minus strand), LOC126862764 (BRD4-independent group 4 enhancer GRCh37_chr18:56202574-56203773; plus strand). Cytogenetic location: 18q21.31.
Variant type: single nucleotide variant.
Coding change: c.3998T>A on transcript NM_052947.4 (MANE Select); coding-DNA position 3998, T replaced by A.
Protein change: p.Phe1333Tyr; replaces phenylalanine 1333 with tyrosine.
Molecular consequence: missense variant.
Genome position (GRCh38, 1-based): chr18:58,536,189, A>T on the plus strand (T>A on the coding strand, the complement: ALPK2 is on the minus strand). VCF-style: chr18-58536189-A-T. GRCh37 (hg19) VCF-style: chr18-56203421-A-T.
Other names: short protein forms F1333Y.
Identifiers: ClinVar variation 3228717 (VCV003228717.1), dbSNP rs755133135, ClinGen allele CA8976794.